The following is an entry in ClinVar:

ClinVar aggregate classification (germline): Uncertain significance (1 of 4 stars; one submission).

Conditions:
Multiple congenital exostosis (EXT). Also called: Hereditary multiple osteochondromas; MULTIPLE CARTILAGINOUS EXOSTOSES; Hereditary multiple exostoses; Hereditary multiple exostosis; Multiple osteochondromas; Multiple exostoses. Identifiers: Orphanet 321, MedGen C0015306, MONDO:0005508, HP:0002762.

Submission:

Labcorp Genetics (formerly Invitae), Labcorp
Classification: Uncertain significance for Multiple congenital exostosis. Last evaluated: 2024-08-31. Review status: criteria provided, single submitter. Criteria: Invitae Variant Classification Sherloc (09022015). Collection method: clinical testing. Allele origin: germline.
Comment: This sequence change replaces serine, which is neutral and polar, with phenylalanine, which is neutral and non-polar, at codon 233 of the EXT1 protein (p.Ser233Phe). This variant is not present in population databases (gnomAD no frequency). This variant has not been reported in the literature in individuals affected with EXT1-related conditions. Invitae Evidence Modeling of protein sequence and biophysical properties (such as structural, functional, and spatial information, amino acid conservation, physicochemical variation, residue mobility, and thermodynamic stability) indicates that this missense variant is expected to disrupt EXT1 protein function with a positive predictive value of 80%. In summary, the available evidence is currently insufficient to determine the role of this variant in disease. Therefore, it has been classified as a Variant of Uncertain Significance.

NM_000127.3(EXT1):c.698C>T (p.Ser233Phe)

Gene: EXT1 (exostosin glycosyltransferase 1; minus strand). Cytogenetic location: 8q24.11.
Variant type: single nucleotide variant.
Coding change: c.698C>T on transcript NM_000127.3 (MANE Select); coding-DNA position 698, C replaced by T.
Protein change: p.Ser233Phe; replaces serine 233 with phenylalanine.
Molecular consequence: missense variant.
Genome position (GRCh38, 1-based): chr8:118,110,349, G>A on the plus strand (C>T on the coding strand, the complement: EXT1 is on the minus strand). VCF-style: chr8-118110349-G-A. GRCh37 (hg19) VCF-style: chr8-119122588-G-A.
Other names: short protein forms S233F.
Identifiers: ClinVar variation 3655716 (VCV003655716.2).
Genomic context (GRCh38, chr8:118,110,349, plus strand): 5'-AACTTCAAAAACCCCCTCTCCCCTCCTGTCCTGGGATGATCCTTAGAAAAGAGGGGAATA[G>A]AAACATCAAAGTTGGGTCGGAAGTTTTCAGTACTGATGCTGGCTTTGGCCAGCATCGCCT-3'
Protein context (NP_000118.2, residues 223-243): TENFRPNFDV[Ser233Phe]IPLFSKDHPR